The following is an entry in ClinVar:

ClinVar aggregate classification (germline): Uncertain significance (1 of 4 stars; one submission).

Allele frequency attached by ClinVar (database versions not stated): gnomAD exomes below 0.00001; TOPMed below 0.00001; ExAC 0.00001.

Submission:

Labcorp Genetics (formerly Invitae), Labcorp
Classification: Uncertain significance. Last evaluated: 2024-10-24. Review status: criteria provided, single submitter. Criteria: Invitae Variant Classification Sherloc (09022015). Collection method: clinical testing. Allele origin: germline.
Comment: This sequence change replaces arginine, which is basic and polar, with cysteine, which is neutral and slightly polar, at codon 151 of the NANS protein (p.Arg151Cys). This variant is present in population databases (rs769796875, gnomAD 0.003%). This variant has not been reported in the literature in individuals affected with NANS-related conditions. ClinVar contains an entry for this variant (Variation ID: 1426051). An algorithm developed to predict the effect of missense changes on protein structure and function (PolyPhen-2) suggests that this variant is likely to be disruptive. In summary, the available evidence is currently insufficient to determine the role of this variant in disease. Therefore, it has been classified as a Variant of Uncertain Significance.

NM_018946.4(NANS):c.451C>T (p.Arg151Cys)

Genes: NANS (N-acetylneuraminate synthase; plus strand), TRIM14 (tripartite motif containing 14; minus strand). Cytogenetic location: 9q22.33.
Variant type: single nucleotide variant.
Coding change: c.451C>T on transcript NM_018946.4 (MANE Select); coding-DNA position 451, C replaced by T.
Protein change: p.Arg151Cys; replaces arginine 151 with cysteine.
Molecular consequence: missense variant.
Genome position (GRCh38, 1-based): chr9:98,078,195, C>T. VCF-style: chr9-98078195-C-T. GRCh37 (hg19) VCF-style: chr9-100840477-C-T.
Other names: short protein forms R151C.
Identifiers: ClinVar variation 1426051 (VCV001426051.4), dbSNP rs769796875, ClinGen allele CA5150301.